The following is an entry in ClinVar:

ClinVar aggregate classification (germline): Uncertain significance. Review status: criteria provided, multiple submitters, no conflicts (2 of 4 stars). 2 submissions from 2 submitters: Uncertain significance (2). Last evaluated 2023-12-04.

Conditions:
Hereditary cancer-predisposing syndrome. Also called: Tumor predisposition; Hereditary Cancer Syndrome; Hereditary neoplastic syndrome; Neoplastic Syndromes, Hereditary. Identifiers: Orphanet 140162, MedGen C0027672, MeSH D009386, MONDO:0015356.
Breast-ovarian cancer, familial, susceptibility to, 4. Identifiers: Orphanet 145, MedGen C3280345, MONDO:0013669, OMIM 614291.

Submissions (2):

Color Diagnostics, LLC DBA Color Health
Classification: Uncertain significance for Hereditary cancer-predisposing syndrome. Last evaluated: 2023-12-04. Review status: criteria provided, single submitter. Criteria: ACMG Guidelines, 2015. Collection method: clinical testing. Allele origin: germline.
Comment: This missense variant replaces proline with serine at codon 214 of the RAD51D protein. Computational prediction suggests that this variant may not impact protein structure and function (internally defined REVEL score threshold <= 0.5, PMID: 27666373). To our knowledge, functional studies have not been reported for this variant. This variant has not been reported in individuals affected with RAD51D-related disorders in the literature. This variant has not been identified in the general population by the Genome Aggregation Database (gnomAD). The available evidence is insufficient to determine the role of this variant in disease conclusively. Therefore, this variant is classified as a Variant of Uncertain Significance.

Labcorp Genetics (formerly Invitae), Labcorp
Classification: Uncertain significance for Breast-ovarian cancer, familial, susceptibility to, 4. Last evaluated: 2021-01-28. Review status: criteria provided, single submitter. Criteria: Invitae Variant Classification Sherloc (09022015). Collection method: clinical testing. Allele origin: germline.
Comment: In summary, this variant is a novel missense change that is not predicted to affect protein function. There is no indication that it causes disease, but the available evidence is currently insufficient to prove that conclusively. Therefore, it has been classified as a Variant of Uncertain Significance. Algorithms developed to predict the effect of missense changes on protein structure and function output the following: (SIFT: "Tolerated"; PolyPhen-2: "Probably Damaging"; Align-GVGD: "Class C0"). The serine amino acid residue is found in multiple mammalian species, suggesting that this missense change does not adversely affect protein function. These predictions have not been confirmed by published functional studies. This variant is not present in population databases (ExAC no frequency) and has not been reported in the literature in individuals with a RAD51D-related disease. This sequence change replaces proline with serine at codon 214 of the RAD51D protein (p.Pro214Ser). The proline residue is moderately conserved and there is a moderate physicochemical difference between proline and serine.

NM_002878.4(RAD51D):c.640C>T (p.Pro214Ser)

Genes: RAD51L3-RFFL (RAD51L3-RFFL readthrough; minus strand), RAD51D (RAD51 paralog D; minus strand). Cytogenetic location: 17q12.
Variant type: single nucleotide variant.
Coding change: c.640C>T on transcript NM_002878.4 (MANE Select); coding-DNA position 640, C replaced by T.
Protein change: p.Pro214Ser; replaces proline 214 with serine.
Molecular consequence: missense variant. On other transcripts: non-coding transcript variant (3).
Genome position (GRCh38, 1-based): chr17:35,103,481, G>A on the plus strand (C>T on the coding strand, the complement: RAD51D is on the minus strand). VCF-style: chr17-35103481-G-A. GRCh37 (hg19) VCF-style: chr17-33430500-G-A.
Other names: c.700C>T, p.Pro234Ser (NM_001142571.2); c.304C>T, p.Pro102Ser (NM_133629.3); short protein forms P214S, P102S, P234S.
Identifiers: ClinVar variation 410555 (VCV000410555.9), dbSNP rs1060502955, ClinGen allele CA16615721.